The following is an entry in ClinVar:

ClinVar aggregate classification (germline): Uncertain significance. Review status: criteria provided, multiple submitters, no conflicts (2 of 4 stars). 3 submissions from 3 submitters: Uncertain significance (3). Last evaluated 2023-08-02.

Conditions:
Fraser syndrome 2 (FRASRS2). Identifiers: MedGen C4540036, MONDO:0054738, OMIM 617666.
Inborn genetic diseases. Identifiers: MedGen C0950123, MeSH D030342.

Allele frequency attached by ClinVar (database versions not stated): ExAC 0.00001; gnomAD exomes 0.00001 and 0.00002; TOPMed 0.00001; 1000 Genomes Project 30x 0.00031; 1000 Genomes Project 0.00040.
gnomAD v4.1: 19 of 1,613,822 alleles (0.0012%); highest among the groups gnomAD compares: South Asian, 0.014%; no homozygotes.

Submissions (3):

Ambry Genetics
Classification: Uncertain significance for Inborn genetic diseases. Last evaluated: 2023-08-02. Review status: criteria provided, single submitter. Criteria: Ambry Variant Classification Scheme 2023. Collection method: clinical testing. Allele origin: germline.

Labcorp Genetics (formerly Invitae), Labcorp
Classification: Uncertain significance. Last evaluated: 2022-03-24. Review status: criteria provided, single submitter. Criteria: Invitae Variant Classification Sherloc (09022015). Collection method: clinical testing. Allele origin: germline.
Comment: This sequence change replaces leucine, which is neutral and non-polar, with methionine, which is neutral and non-polar, at codon 2037 of the FREM2 protein (p.Leu2037Met). This variant is present in population databases (rs539893834, gnomAD 0.01%). This variant has not been reported in the literature in individuals affected with FREM2-related conditions. Algorithms developed to predict the effect of missense changes on protein structure and function are either unavailable or do not agree on the potential impact of this missense change (SIFT: "Deleterious"; PolyPhen-2: "Probably Damaging"; Align-GVGD: "Class C0"). In summary, the available evidence is currently insufficient to determine the role of this variant in disease. Therefore, it has been classified as a Variant of Uncertain Significance.

Neuberg Centre For Genomic Medicine, NCGM
Classification: Uncertain significance for Fraser syndrome 2. Review status: criteria provided, single submitter. Criteria: ACMG Guidelines, 2015. Collection method: clinical testing. Allele origin: germline. Affected: yes.
Comment: The missense variant p.L2037M in FREM2 (NM_207361.6) has not been reported previously as a pathogenic variant nor as a benign variant, to our knowledge. The p.L2037M variant is observed in 2/18,372 (0.0109%) alleles from individuals of East Asian background in gnomAD Exomes and in 1/978 (0.1022%) alleles from individuals of South Asian background in 1000 Genomes. The p.L2037M missense variant is predicted to be damaging by both SIFT and PolyPhen2. The leucine residue at codon 2037 of FREM2 is conserved in all mammalian species. The nucleotide c.6109 in FREM2 is predicted conserved by GERP++ and PhyloP across 100 vertebrates. For these reasons, this variant has been classified as Uncertain Significance.

NM_207361.6(FREM2):c.6109C>A (p.Leu2037Met)

Gene: FREM2 (FRAS1 related extracellular matrix 2; plus strand). Cytogenetic location: 13q13.3.
Variant type: single nucleotide variant.
Coding change: c.6109C>A on transcript NM_207361.6 (MANE Select); coding-DNA position 6109, C replaced by A.
Protein change: p.Leu2037Met; replaces leucine 2037 with methionine.
Molecular consequence: missense variant.
Genome position (GRCh38, 1-based): chr13:38,846,662, C>A. VCF-style: chr13-38846662-C-A. GRCh37 (hg19) VCF-style: chr13-39420799-C-A.
Other names: c.6109C>A (NM_207361.4); short protein forms L2037M.
Identifiers: ClinVar variation 1339125 (VCV001339125.7), dbSNP rs539893834, ClinGen allele CA6955452.
Genomic context (GRCh38, chr13:38,846,662, plus strand): 5'-TACTCTGTGGATGAGAGTGCTGGCTATGTGGAAGTGCAGGTGTGGAGAACGGGCACTGAC[C>A]TGTCCAAGTCTTCTAGTGTCACAGTGAGGTCTCGGAAAACAGATCCTCCCTCTGCAGATG-3'
Protein context (NP_997244.4, residues 2027-2047): EVQVWRTGTD[Leu2037Met]SKSSSVTVRS